The following is an entry in ClinVar:

ClinVar aggregate classification (germline): Likely pathogenic (1 of 4 stars; one submission).

Submission:

Athena Diagnostics
Classification: Likely pathogenic. Last evaluated: 2025-04-01. Review status: criteria provided, single submitter. Criteria: Athena Diagnostics Criteria. Collection method: clinical testing. Allele origin: unknown.
Comment: This variant is expected to result in the loss of a functional protein. This variant has not been reported in large, multi-ethnic general populations.

NM_001127222.2(CACNA1A):c.1472_1487del (p.Thr491fs)

Gene: CACNA1A (calcium voltage-gated channel subunit alpha1 A; minus strand). Cytogenetic location: 19p13.13.
Variant type: Deletion.
Coding change: c.1472_1487del on transcript NM_001127222.2 (MANE Select); coding-DNA positions 1472 to 1487, 16 bases deleted (CTGTACTCAGTTTGGT).
Protein change: p.Thr491fs; shifts the reading frame from threonine 491.
Molecular consequence: frameshift variant.
Genome position (GRCh38, 1-based): chr19:13,317,180-13,317,195, ACCAAACTGAGTACAG deleted on the plus strand (CTGTACTCAGTTTGGT on the coding strand, the reverse complement: CACNA1A is on the minus strand). VCF-style (leftmost placement, unchanged base first): chr19-13317179-TACCAAACTGAGTACAG-T. GRCh37 (hg19) VCF-style: chr19-13427993-TACCAAACTGAGTACAG-T.
Other names: c.1475_1490del, p.Thr492fs (NM_000068.4, NM_001127221.2, NM_001174080.2 and 1 more transcripts); short protein forms T491fs, T492fs.
Identifiers: ClinVar variation 4682483 (VCV004682483.1).
Genomic context (GRCh38, chr19:13,317,179, plus strand): 5'-GTCGGAGAGCCACTCGGGCTGGTTGTAGTGAACAATAGCAACACACAGCGTGTTGAGAGC[TACCAAACTGAGTACAG>T]TCCAGTAGAAGGCCTGAGTTTTGACCATGCGGCGGATGTAGAAACGCATCCTCCTCTCCT-3'